The following is an entry in ClinVar:

ClinVar aggregate classification (germline): Uncertain significance (1 of 4 stars; one submission).

Submission:

Labcorp Genetics (formerly Invitae), Labcorp
Classification: Uncertain significance. Last evaluated: 2025-04-08. Review status: criteria provided, single submitter. Criteria: Invitae Variant Classification Sherloc (09022015). Collection method: clinical testing. Allele origin: germline.
Comment: This variant, c.235_237dup, results in the insertion of 1 amino acid(s) of the KRT14 protein (p.Ser79dup), but otherwise preserves the integrity of the reading frame. This variant is present in population databases (rs747557834, gnomAD 0.06%). This variant has not been reported in the literature in individuals affected with KRT14-related conditions. Experimental studies and prediction algorithms are not available or were not evaluated, and the functional significance of this variant is currently unknown. In summary, the available evidence is currently insufficient to determine the role of this variant in disease. Therefore, it has been classified as a Variant of Uncertain Significance.

NM_000526.5(KRT14):c.220AGC[7] (p.Ser79_Phe80insSer)

Gene: KRT14 (keratin 14; minus strand). Cytogenetic location: 17q21.2.
Variant type: Microsatellite.
Coding change: c.220AGC[7] on transcript NM_000526.5 (MANE Select); seven copies in a row of the 3-base unit AGC starting at c.220; the reference has six copies in a row; one copy, 3 bases duplicated.
Protein change: p.Ser79_Phe80insSer.
Molecular consequence: inframe insertion.
Genome position (GRCh38, 1-based): chr17:41,586,598-41,586,600, GCT duplicated on the plus strand (AGC on the coding strand, the reverse complement: KRT14 is on the minus strand); duplicating any 3 consecutive bases within chr17:41,586,598-41,586,616 gives the same sequence; the position shown is the placement nearest the transcript's 3' end. VCF-style (leftmost placement, unchanged base first): chr17-41586597-A-AGCT. GRCh37 (hg19) VCF-style: chr17-39742849-A-AGCT.
Identifiers: ClinVar variation 2720646 (VCV002720646.3), dbSNP rs747557834, ClinGen allele CA8562770.